The following is an entry in ClinVar:

ClinVar aggregate classification (germline): Uncertain significance (0 of 4 stars; one submission).

Conditions:
PAN2-related disorder. Also called: PAN2-related condition.

Allele frequency attached by ClinVar (database versions not stated): gnomAD exomes below 0.00001; TOPMed below 0.00001; ExAC 0.00001; gnomAD 0.00001; ESP Exome Variant Server 0.00008.

Submission:

PreventionGenetics, part of Exact Sciences
Classification: Uncertain significance for PAN2-related condition. Last evaluated: 2023-11-30. Review status: no assertion criteria provided. Collection method: clinical testing. Allele origin: germline.
Comment: The PAN2 c.2592_2593delAG variant is predicted to result in a frameshift and premature protein termination (p.Gly866Glnfs*29). To our knowledge, this variant has not been reported in the literature. This variant is reported in 0.00088% of alleles in individuals of European (Non-Finnish) descent in gnomAD. At this time, the clinical significance of this variant is uncertain due to the absence of conclusive functional and genetic evidence.

NM_014871.6(PAN2):c.2580_2581del (p.Gly862fs)

Gene: PAN2 (poly(A) specific ribonuclease subunit PAN2; minus strand). Cytogenetic location: 12q13.3.
Variant type: Deletion.
Coding change: c.2580_2581del on transcript NM_014871.6 (MANE Select); coding-DNA positions 2580 to 2581, 2 bases deleted (AG; older notation c.2580_2581delAG).
Protein change: p.Gly862fs; shifts the reading frame from glycine 862.
Molecular consequence: frameshift variant.
Genome position (GRCh38, 1-based): chr12:56,322,671-56,322,672, CT deleted on the plus strand (AG on the coding strand, the reverse complement: PAN2 is on the minus strand). VCF-style (leftmost placement, unchanged base first): chr12-56322670-CCT-C. GRCh37 (hg19) VCF-style: chr12-56716454-CCT-C.
Other names: c.2592_2593del, p.Gly866fs (NM_001127460.4, NM_001394699.1, NM_001394703.1); c.2589_2590del, p.Gly865fs (NM_001166279.3, NM_001394704.1); c.2580_2581del, p.Gly862fs (NM_001394700.1, NM_001394705.1); c.2577_2578del, p.Gly861fs (NM_001394701.1, NM_001394702.1, NM_001394706.1 and 1 more transcripts); c.2163_2164del, p.Gly723fs (NM_001394708.1); short protein forms G723fs, G861fs, G862fs, G865fs, G866fs.
Identifiers: ClinVar variation 3051341 (VCV003051341.2), dbSNP rs767273852, ClinGen allele CA6629411.